The following is an entry in ClinVar:

ClinVar aggregate classification (germline): Uncertain significance. Review status: criteria provided, multiple submitters, no conflicts (2 of 4 stars). 2 submissions from 2 submitters: Uncertain significance (2). Last evaluated 2024-09-23.

Conditions:
Neuropathy, hereditary sensory and autonomic, type 2A (HSAN2A). Also called: HSAN IIA; WNK1-Related HSAN2 (HSAN2A); ACROOSTEOLYSIS, GIACCAI TYPE; ACROOSTEOLYSIS, NEUROGENIC; MORVAN DISEASE; NEUROPATHY, CONGENITAL SENSORY. Identifiers: Orphanet 970, MedGen C2752089, MONDO:0024309, OMIM 201300.
Pseudohypoaldosteronism type 2C (PHA2C). Also called: Pseudohypoaldosteronism Type IIC. Identifiers: Orphanet 757, Orphanet 88940, MedGen C1840391, MONDO:0013778, OMIM 614492.

Allele frequency attached by ClinVar (database versions not stated): gnomAD 0.00001; TOPMed 0.00001; ExAC 0.00002.
gnomAD v4.1: 6 of 1,614,018 alleles (0.00037%); highest among the groups gnomAD compares: African/African-American, 0.0013%; no homozygotes.

Submissions (2):

Labcorp Genetics (formerly Invitae), Labcorp
Classification: Uncertain significance for Neuropathy, hereditary sensory and autonomic, type 2A; Pseudohypoaldosteronism type 2C. Last evaluated: 2024-09-23. Review status: criteria provided, single submitter. Criteria: Invitae Variant Classification Sherloc (09022015). Collection method: clinical testing. Allele origin: germline.
Comment: This sequence change replaces threonine, which is neutral and polar, with arginine, which is basic and polar, at codon 2083 of the WNK1 protein (p.Thr2083Arg). This variant is present in population databases (rs373765496, gnomAD 0.007%). This variant has not been reported in the literature in individuals affected with WNK1-related conditions. ClinVar contains an entry for this variant (Variation ID: 471198). Invitae Evidence Modeling of protein sequence and biophysical properties (such as structural, functional, and spatial information, amino acid conservation, physicochemical variation, residue mobility, and thermodynamic stability) indicates that this missense variant is not expected to disrupt WNK1 protein function with a negative predictive value of 95%. In summary, the available evidence is currently insufficient to determine the role of this variant in disease. Therefore, it has been classified as a Variant of Uncertain Significance.

Fulgent Genetics
Classification: Uncertain significance for Neuropathy, hereditary sensory and autonomic, type 2A; Pseudohypoaldosteronism type 2C. Last evaluated: 2024-04-30. Review status: criteria provided, single submitter. Criteria: ACMG Guidelines, 2015. Collection method: clinical testing. Allele origin: germline.

NM_018979.4(WNK1):c.5492C>G (p.Thr1831Arg)

Gene: WNK1 (WNK lysine deficient protein kinase 1; plus strand). Cytogenetic location: 12p13.33.
Variant type: single nucleotide variant.
Coding change: c.5492C>G on transcript NM_018979.4 (MANE Select); coding-DNA position 5492, C replaced by G.
Protein change: p.Thr1831Arg; replaces threonine 1831 with arginine.
Molecular consequence: missense variant.
Genome position (GRCh38, 1-based): chr12:890,496, C>G. VCF-style: chr12-890496-C-G. GRCh37 (hg19) VCF-style: chr12-999662-C-G.
Other names: c.6272C>G, p.Thr2091Arg (NM_001184985.2); c.4751C>G, p.Thr1584Arg (NM_014823.3); c.6248C>G, p.Thr2083Arg (NM_213655.5); short protein forms T1831R, T2083R, T2091R, T1584R.
Identifiers: ClinVar variation 471198 (VCV000471198.11), dbSNP rs373765496, ClinGen allele CA6383205.